The following is an entry in ClinVar:

NM_001042492.3(NF1):c.7180del (p.Leu2394fs)

Gene: NF1 (neurofibromin 1; plus strand). Cytogenetic location: 17q11.2.
Variant type: Deletion.
Coding change: c.7180del on transcript NM_001042492.3 (MANE Select); coding-DNA position 7180, one base deleted (C; older notation c.7180delC).
Protein change: p.Leu2394fs; shifts the reading frame from leucine 2394.
Molecular consequence: frameshift variant.
Genome position (GRCh38, 1-based): chr17:31,343,126, C deleted; the last of 2 consecutive C bases (chr17:31,343,125-31,343,126); deleting either gives the same sequence. VCF-style (leftmost placement, unchanged base first): chr17-31343124-AC-A. GRCh37 (hg19) VCF-style: chr17-29670142-AC-A.
Other names: c.7117delC, p.Leu2373Phefs (NM_000267.4); short protein forms L2373fs, L2394fs.
Identifiers: ClinVar variation 2765775 (VCV002765775.3), dbSNP rs2508780332, ClinGen allele CA2697559658.
Genomic context (GRCh38, chr17:31,343,124, plus strand): 5'-AAATGGATCATTTTGTTGGACTCAATTTCAACTCTAACTTTAACTTTGCATTGGTTGGAC[AC>A]CTTTTAAAAGGTAAAAAAGCCTTATTTAGAATATTTTTATGAAGTACTATTAAGAAACCA-3'

ClinVar aggregate classification (germline): Pathogenic (1 of 4 stars; one submission).

Conditions:
Neurofibromatosis, type 1 (NF1). Also called: VON RECKLINGHAUSEN DISEASE; Neurofibromatosis, type I; NEUROFIBROMATOSIS, TYPE I, SOMATIC; Peripheral type neurofibromatosis. Identifiers: Orphanet 636, MedGen C0027831, MONDO:0018975, OMIM 162200. Disease mechanism: loss of function.

Submission:

Labcorp Genetics (formerly Invitae), Labcorp
Classification: Pathogenic for Neurofibromatosis, type 1. Last evaluated: 2023-10-05. Review status: criteria provided, single submitter. Criteria: Invitae Variant Classification Sherloc (09022015). Collection method: clinical testing. Allele origin: germline.
Comment: This sequence change creates a premature translational stop signal (p.Leu2373Phefs*2) in the NF1 gene. It is expected to result in an absent or disrupted protein product. Loss-of-function variants in NF1 are known to be pathogenic (PMID: 10712197, 23913538). This variant is not present in population databases (gnomAD no frequency). This variant has not been reported in the literature in individuals affected with NF1-related conditions. For these reasons, this variant has been classified as Pathogenic.

Literature cited by the submitters: PubMed 10712197; PubMed 23913538.